The following is an entry in ClinVar:

NM_201599.3(ZMYM3):c.1416C>T (p.His472=)

Gene: ZMYM3 (zinc finger MYM-type containing 3; minus strand). Cytogenetic location: Xq13.1.
Variant type: single nucleotide variant.
Coding change: c.1416C>T on transcript NM_201599.3 (MANE Select); coding-DNA position 1416, C replaced by T.
Protein change: p.His472=; no amino-acid change (histidine 472 retained).
Molecular consequence: synonymous variant.
Genome position (GRCh38, 1-based): chrX:71,249,515, G>A on the plus strand (C>T on the coding strand, the complement: ZMYM3 is on the minus strand). VCF-style: chrX-71249515-G-A. GRCh37 (hg19) VCF-style: chrX-70469365-G-A.
Other names: c.1416C>T, p.His472= (NM_001171162.1, NM_001171163.1, NM_005096.3).
Identifiers: ClinVar variation 3039923 (VCV003039923.2), dbSNP rs150144367, ClinGen allele CA10445788.

ClinVar aggregate classification (germline): Likely benign (0 of 4 stars; one submission).

Conditions:
ZMYM3-related disorder. Also called: ZMYM3-related condition.

Allele frequency attached by ClinVar (database versions not stated): gnomAD exomes 0.00003; ExAC 0.00007; TOPMed 0.00015; ESP Exome Variant Server 0.00019; gnomAD 0.00020; 1000 Genomes Project 30x 0.00021; 1000 Genomes Project 0.00026.
gnomAD v4.1: 51 of 1,202,551 alleles (0.0042%); highest among the groups gnomAD compares: African/African-American, 0.055%; no homozygotes.

Submission:

PreventionGenetics, part of Exact Sciences
Classification: Likely benign for ZMYM3-related condition. Last evaluated: 2019-09-19. Review status: no assertion criteria provided. Collection method: clinical testing. Allele origin: germline.
Comment: This variant is classified as likely benign based on ACMG/AMP sequence variant interpretation guidelines (Richards et al. 2015 PMID: 25741868, with internal and published modifications).